The following is an entry in ClinVar:

ClinVar aggregate classification (germline): Likely benign. Review status: criteria provided, multiple submitters, no conflicts (2 of 4 stars). 2 submissions from 2 submitters: Likely benign (2). Last evaluated 2026-09-01.

Conditions:
Early-infantile DEE. Also called: Early infantile epileptic encephalopathy; Ohtahara syndrome; Early infantile epileptic encephalopathy with suppression bursts. Identifiers: Orphanet 1934, MedGen C0393706, MONDO:0800491.

Allele frequency attached by ClinVar (database versions not stated): gnomAD 0.00001.
gnomAD v4.1: 4 of 1,610,564 alleles (0.00025%); highest among the groups gnomAD compares: Admixed American, 0.0017%; no homozygotes.

Submissions (2):

CeGaT Center for Human Genetics Tuebingen
Classification: Likely benign. Last evaluated: 2026-09-01. Review status: criteria provided, single submitter. Criteria: CeGaT Center For Human Genetics Tuebingen Variant Classification Criteria Version 2. Collection method: clinical testing. Allele origin: germline. Affected: yes. Observed: 2 variant alleles.
Comment: SCN8A: BP4, BP7

Labcorp Genetics (formerly Invitae), Labcorp
Classification: Likely benign for Early-infantile DEE. Last evaluated: 2023-05-20. Review status: criteria provided, single submitter. Criteria: Invitae Variant Classification Sherloc (09022015). Collection method: clinical testing. Allele origin: germline.

NM_001330260.2(SCN8A):c.1737C>T (p.Ser579=)

Gene: SCN8A (sodium voltage-gated channel alpha subunit 8; plus strand). Cytogenetic location: 12q13.13.
Variant type: single nucleotide variant.
Coding change: c.1737C>T on transcript NM_001330260.2 (MANE Select); coding-DNA position 1737, C replaced by T.
Protein change: p.Ser579=; no amino-acid change (serine 579 retained).
Molecular consequence: synonymous variant.
Genome position (GRCh38, 1-based): chr12:51,721,647, C>T. VCF-style: chr12-51721647-C-T. GRCh37 (hg19) VCF-style: chr12-52115431-C-T.
Other names: c.1737C>T, p.Ser579= (NM_001177984.3, NM_001369788.1, NM_014191.4).
Identifiers: ClinVar variation 1136947 (VCV001136947.40), dbSNP rs770853019, ClinGen allele CA236266920.